The following is an entry in ClinVar:

NM_000392.5(ABCC2):c.1219C>T (p.Leu407=)

Gene: ABCC2 (ATP binding cassette subfamily C member 2; plus strand). Cytogenetic location: 10q24.2.
Variant type: single nucleotide variant.
Coding change: c.1219C>T on transcript NM_000392.5 (MANE Select); coding-DNA position 1219, C replaced by T.
Protein change: p.Leu407=; no amino-acid change (leucine 407 retained).
Molecular consequence: synonymous variant.
Genome position (GRCh38, 1-based): chr10:99,804,028, C>T. VCF-style: chr10-99804028-C-T. GRCh37 (hg19) VCF-style: chr10-101563785-C-T.
Other names: c.1219C>T, p.Leu407= (LRG_1208t1).
Identifiers: ClinVar variation 298448 (VCV000298448.14), dbSNP rs17216198, ClinGen allele CA5643128.

ClinVar aggregate classification (germline): Benign. Review status: criteria provided, multiple submitters, no conflicts (2 of 4 stars). 3 submissions from 3 submitters: Benign (3). Last evaluated 2026-01-28.

Conditions:
Dubin-Johnson syndrome (DJS). Also called: HYPERBILIRUBINEMIA, DUBIN-JOHNSON TYPE; Jaundice, Chronic Idiopathic; Hyperbilirubinemia type 2. Identifiers: Orphanet 234, MedGen C0022350, MONDO:0009380, OMIM 237500.

Allele frequency attached by ClinVar (database versions not stated): gnomAD exomes 0.00097 and 0.00218; ExAC 0.00265; gnomAD 0.00808 and 0.00876; ESP Exome Variant Server 0.00830; 1000 Genomes Project 0.00899; TOPMed 0.00918; 1000 Genomes Project 30x 0.00984.

Submissions (3):

Labcorp Genetics (formerly Invitae), Labcorp
Classification: Benign. Last evaluated: 2026-01-28. Review status: criteria provided, single submitter. Criteria: Invitae Variant Classification Sherloc (09022015). Collection method: clinical testing. Allele origin: germline.

Illumina Laboratory Services, Illumina
Classification: Benign for Dubin-Johnson syndrome. Last evaluated: 2018-01-13. Review status: criteria provided, single submitter. Criteria: ICSL Variant Classification Criteria 13 December 2019. Collection method: clinical testing. Allele origin: germline.
Comment: This variant was observed in the ICSL laboratory as part of a predisposition screen in an ostensibly healthy population. It had not been previously curated by ICSL or reported in the Human Gene Mutation Database (HGMD: prior to June 1st, 2018), and was therefore a candidate for classification through an automated scoring system. Utilizing variant allele frequency, disease prevalence and penetrance estimates, and inheritance mode, an automated score was calculated to assess if this variant is too frequent to cause the disease. Based on the score and internal cut-off values, a variant classified as benign is not then subjected to further curation. The score for this variant resulted in a classification of benign for this disease.

Breakthrough Genomics
Classification: Benign. Review status: criteria provided, single submitter. Criteria: ACMG Guidelines, 2015. Collection method: not provided. Allele origin: germline. Inheritance: Autosomal recessive inheritance. Affected: yes.